The following is an entry in ClinVar:

NM_006129.5(BMP1):c.1059T>C (p.Ser353=)

Gene: BMP1 (bone morphogenetic protein 1; plus strand). Cytogenetic location: 8p21.3.
Variant type: single nucleotide variant.
Coding change: c.1059T>C on transcript NM_006129.5 (MANE Select); coding-DNA position 1059, T replaced by C.
Protein change: p.Ser353=; no amino-acid change (serine 353 retained).
Molecular consequence: synonymous variant. On other transcripts: non-coding transcript variant (2).
Genome position (GRCh38, 1-based): chr8:22,180,465, T>C. VCF-style: chr8-22180465-T-C. GRCh37 (hg19) VCF-style: chr8-22037978-T-C.
Other names: c.1059T>C (NM_006129.4); c.1059T>C, p.Ser353= (NM_001199.4).
Identifiers: ClinVar variation 2788469 (VCV002788469.5), dbSNP rs755452404, ClinGen allele CA4664517.
Genomic context (GRCh38, chr8:22,180,465, plus strand): 5'-CTCCTCCCCTGAATACCCCAATGGCTACTCTGCTCACATGCACTGCGTGTGGCGCATCTC[T>C]GTCACACCCGGGGAGAAGGTACGTGTGGGCTCAGCCTCTGAGCCTCCCCCTCCCCTGCGG-3'
Protein context (NP_006120.1, residues 343-363): SAHMHCVWRI[Ser353=]VTPGEKIILN

ClinVar aggregate classification (germline): Likely benign. Review status: criteria provided, single submitter (1 of 4 stars). 2 submissions from 2 submitters: Likely benign (1). 1 of the submissions does not count toward it. Last evaluated 2023-12-19.

Conditions:
BMP1-related disorder. Also called: BMP1-related condition.

Allele frequency attached by ClinVar (database versions not stated): ExAC 0.00001; gnomAD exomes 0.00002.
gnomAD v4.1: 27 of 1,613,606 alleles (0.0017%); highest among the groups gnomAD compares: Non-Finnish European, 0.0023%; no homozygotes.

Submissions (2):

Labcorp Genetics (formerly Invitae), Labcorp
Classification: Likely benign. Last evaluated: 2023-12-19. Review status: criteria provided, single submitter. Criteria: Invitae Variant Classification Sherloc (09022015). Collection method: clinical testing. Allele origin: germline.

PreventionGenetics, part of Exact Sciences
Classification: Likely benign for BMP1-related condition. Last evaluated: 2021-11-22. Review status: no assertion criteria provided. Collection method: clinical testing. Allele origin: germline. Not counted in ClinVar's aggregate classification.
Comment: This variant is classified as likely benign based on ACMG/AMP sequence variant interpretation guidelines (Richards et al. 2015 PMID: 25741868, with internal and published modifications).